The following is an entry in ClinVar:

ClinVar aggregate classification (germline): Uncertain significance (1 of 4 stars; one submission).

Conditions:
Dilated cardiomyopathy 1J (CMD1J). Also called: CARDIOMYOPATHY, DILATED, WITH SENSORINEURAL HEARING LOSS, AUTOSOMAL DOMINANT. Identifiers: Orphanet 217622, MedGen C1854368, MONDO:0011541, OMIM 605362.

gnomAD v4.1: 1 of 1,613,926 alleles (0.000062%); highest among the groups gnomAD compares: Admixed American, 0.0017%; no homozygotes.

Submission:

Labcorp Genetics (formerly Invitae), Labcorp
Classification: Uncertain significance for Dilated cardiomyopathy 1J. Last evaluated: 2024-10-05. Review status: criteria provided, single submitter. Criteria: Invitae Variant Classification Sherloc (09022015). Collection method: clinical testing. Allele origin: germline.
Comment: This sequence change replaces proline, which is neutral and non-polar, with leucine, which is neutral and non-polar, at codon 38 of the EYA4 protein (p.Pro38Leu). This variant is present in population databases (rs759285865, gnomAD 0.003%). This variant has not been reported in the literature in individuals affected with EYA4-related conditions. An algorithm developed to predict the effect of missense changes on protein structure and function (PolyPhen-2) suggests that this variant is likely to be disruptive. In summary, the available evidence is currently insufficient to determine the role of this variant in disease. Therefore, it has been classified as a Variant of Uncertain Significance.

NM_004100.5(EYA4):c.113C>T (p.Pro38Leu)

Gene: EYA4 (EYA transcriptional coactivator and phosphatase 4; plus strand). Cytogenetic location: 6q23.2.
Variant type: single nucleotide variant.
Coding change: c.113C>T on transcript NM_004100.5 (MANE Select); coding-DNA position 113, C replaced by T.
Protein change: p.Pro38Leu; replaces proline 38 with leucine.
Molecular consequence: missense variant.
Genome position (GRCh38, 1-based): chr6:133,446,659, C>T. VCF-style: chr6-133446659-C-T. GRCh37 (hg19) VCF-style: chr6-133767797-C-T.
Other names: c.113C>T, p.Pro38Leu (NM_001301012.2, NM_001301013.2, NM_001370458.1 and 3 more transcripts); short protein forms P38L.
Identifiers: ClinVar variation 3642804 (VCV003642804.2).